The following continues an entry in ClinVar:

NM_007294.4(BRCA1):c.5434C>G (p.Pro1812Ala)

Gene: BRCA1. ClinVar aggregate classification (germline): Pathogenic/Likely pathogenic. Pathogenic (10); Likely pathogenic (2).

Submissions 6 to 17 of 17:

ARUP Laboratories, Molecular Genetics and Genomics, ARUP Laboratories
Classification: Pathogenic. Last evaluated: 2021-07-16. Review status: criteria provided, single submitter. Criteria: ARUP Molecular Germline Variant Investigation Process 2021. Collection method: clinical testing. Allele origin: germline.
Comment: The BRCA1 c.5434C>G; p.Pro1812Ala variant (rs1800751), also known as 5553C>G, is reported in the literature in several individuals with a personal and family history of hereditary breast and ovarian cancer and the variant is reported to segregate with disease in two families (Diez 2003, Gaildrat 2010, Jarhelle 2016, Konstantopoulou 2008, Laitman 2011, Martinez-Ferrandis 2003, Stavropoulou 2013). RNA studies in patient cells and in vitro splicing assays have shown that this variant causes skipping of this exon leading to a truncated protein product and disrupting a functional domain (Gaildrat 2010, Jarhelle 2016). This variant is also described as pathogenic or likely pathogenic by several sources in the ClinVar database (Variation ID: 37670). This variant is only observed on one allele in the Genome Aggregation Database, indicating it is not a common polymorphism. Based on available information, this variant is classified as pathogenic References: Diez O et al. Analysis of BRCA1 and BRCA2 genes in Spanish breast/ovarian cancer patients: a high proportion of mutations unique to Spain and evidence of founder effects. Hum Mutat. 2003 Oct;22(4):301-12. PMID: 12955716. Gaildrat P et al. The BRCA1 c.5434C>G (p.Pro1812Ala) variant induces a deleterious exon 23 skipping by affecting exonic splicing regulatory elements. J Med Genet. 2010 Jun;47(6):398-403. PMID: 20522429. Jarhelle E et al. Characterization of BRCA1 and BRCA2 variants found in a Norwegian breast or ovarian cancer cohort. Fam Cancer. 2017 Jan;16(1):1-16. PMID: 27495310. Kaufman B et al. The P1812A and P25T BRCA1 and the 5164del4 BRCA2 mutations: occurrence in high-risk non-Ashkenazi Jews. Genet Test. 2006 Fall;10(3):200-7. PMID: 17020472. Konstantopoulou I et al. Greek BRCA1 and BRCA2 mutation spectrum: two BRCA1 mutations account for half the carriers found among high-risk breast/ovarian cancer patients. Breast Cancer Res Treat. 2008 Feb;107(3):431-41. PMID: 17453335. Laitman Y et al. Germline mutations in BRCA1 and BRCA2 genes in ethnically diverse high risk families in Israel. Breast Cancer Res Treat. 2011 Jun;127(2):489-95. PMID: 20960228. Martinez-Ferrandis JI et al. Mutational analysis of BRCA1 and BRCA2 in Mediterranean Spanish women with early-onset breast cancer: identification of three novel pathogenic mutations. Hum Mutat. 2003 Nov;22(5):417-8. PMID: 14517958. Singh J et al. Screening of over 1000 Indian patients with breast and/or ovarian cancer with a multi-gene panel: prevalence of BRCA1/2 and non-BRCA mutations. Breast Cancer Res Treat. 2018 Jul;170(1):189-196. PMID: 29470806.

Genetics and Molecular Pathology, SA Pathology
Classification: Likely pathogenic for Breast-ovarian cancer, familial, susceptibility to, 1. Last evaluated: 2020-09-11. Review status: criteria provided, single submitter. Criteria: ACMG Guidelines, 2015. Collection method: clinical testing. Allele origin: germline. Affected: no.

GeneDx
Classification: Likely pathogenic. Last evaluated: 2017-08-02. Review status: criteria provided, single submitter. Criteria: GeneDx Variant Classification (06012015). Collection method: clinical testing. Allele origin: germline. Affected: yes.
Comment: This variant is denoted BRCA1 c.5434C>G at the cDNA level, p.Pro1812Ala (P1812A) at the protein level, and results in the change of a Proline to an Alanine (CCA>GCA). Using alternate nomenclature, this variant would be defined as BRCA1 5553C>G. This variant has been observed in several individuals with a personal and family history consistent with Hereditary Breast and Ovarian Cancer syndrome, segregating with disease in two kindreds (Martinez-Ferrandis 2003, Diez 2003, Kaufman 2006, Gaildrat 2010, Laitman 2011, Stavropoulou 2013, Jarhelle 2016). RNA and minigene assays have demonstrated that this variant causes skipping of exon 22, published as exon 23, in most transcripts, leading to a truncated protein product and disrupting the second BRCT domain (Gaildrat 2010, Jarhelle 2016). When present in a full-length transcript, BRCA1 Pro1812Ala has been found to cause a slight reduction in transcriptional activity, protein binding capacity, and thermostability (Kaufman 2006, Drikos 2009). Although the nucleotide substitution results in the change of a Proline to an Alanine at codon 1812, and may also be called Pro1812Ala in the literature, we are using the nucleotide nomenclature to refer to the variant since the defect is determined to be one of splicing rather than a resulting missense variant. BRCA1 c.5434C>G was not observed in approximately 6,500 individuals of European and African American ancestry in the NHLBI Exome Sequencing Project, suggesting it is not a common benign variant in these populations. The nucleotide which is altered, a cytosine (C) at base 5434, is conserved through mammals. Based on current evidence, we consider BRCA1 c.5434C>G to be a likely pathogenic variant.

Genologica Medica
Classification: Pathogenic for Breast-ovarian cancer, familial, susceptibility to, 1. Last evaluated: 2017-01-01. Review status: criteria provided, single submitter. Criteria: ACMG Guidelines, 2015. Collection method: clinical testing. Allele origin: germline. Affected: yes.

Consortium of Investigators of Modifiers of BRCA1/2 (CIMBA), c/o University of Cambridge
Classification: Pathogenic for Breast-ovarian cancer, familial, susceptibility to, 1. Last evaluated: 2015-10-02. Review status: criteria provided, single submitter. Criteria: CIMBA Mutation Classification guidelines May 2016. Collection method: clinical testing. Allele origin: germline.

Department of Medical Genetics, Oslo University Hospital
Classification: Pathogenic for Breast-ovarian cancer, familial, susceptibility to, 1. Last evaluated: 2015-07-01. Review status: criteria provided, single submitter. Criteria: ACMG Guidelines, 2015. Collection method: clinical testing. Allele origin: germline. Affected: yes. Observed: 1 variant allele.

Genesis Genomics
Classification: Pathogenic for Breast-ovarian cancer, familial, susceptibility to, 1. Review status: criteria provided, single submitter. Criteria: ACMG Guidelines, 2015. Collection method: clinical testing. Allele origin: germline. Affected: yes. Observed: 1 variant allele.

Department of Medical Genetics, University Hospital of North Norway
Classification: Likely pathogenic for Breast-ovarian cancer, familial, susceptibility to, 1. Last evaluated: 2016-05-01. Review status: no assertion criteria provided. Collection method: clinical testing. Allele origin: inherited. Affected: yes. Observed: 1 variant allele. Not counted in ClinVar's aggregate classification.

Research Molecular Genetics Laboratory, Women's College Hospital, University of Toronto
Classification: Uncertain significance. Last evaluated: 2014-01-31. Review status: no assertion criteria provided. Collection method: research. Allele origin: germline. Affected: yes. Study: The Canadian Open Genetics Repository (COGR). Not counted in ClinVar's aggregate classification.

Sharing Clinical Reports Project (SCRP)
Classification: Uncertain significance for Breast-ovarian cancer, familial 1. Last evaluated: 2012-05-01. Review status: no assertion criteria provided. Collection method: clinical testing. Allele origin: germline. Not counted in ClinVar's aggregate classification.

Breast Cancer Information Core (BIC) (BRCA1)
Classification: Uncertain significance for Breast-ovarian cancer, familial 1. Last evaluated: 2009-06-05. Review status: no assertion criteria provided. Collection method: clinical testing. Allele origin: germline. Affected: yes. Observed: 2 variant alleles. Not counted in ClinVar's aggregate classification.

Brotman Baty Institute, University of Washington
No classification provided (evidence only). Condition: Breast-ovarian cancer, familial 1. Review status: no classification provided. Collection method: in vitro. Allele origin: not applicable. Functional consequence: functionally_abnormal. Not counted in ClinVar's aggregate classification.
ClinVar note: "not provided" was previously submitted as the classification for the variant. However, the classification appeared to be based only on an observation of functional data so it was converted to no classification on 2025-07-30.

Literature cited by the submitters: PubMed 12955716 (cited by Ambry Genetics and Color Diagnostics, LLC DBA Color Health); PubMed 14517958 (cited by 3 submitters); PubMed 15133502 (cited by Ambry Genetics); PubMed 17020472 (cited by 4 submitters); PubMed 19452558 (cited by 4 submitters); PubMed 20522429 (cited by 4 submitters); PubMed 21447777 (cited by Ambry Genetics); PubMed 21673748 (cited by Ambry Genetics and Color Diagnostics, LLC DBA Color Health); PubMed 22505045 (cited by Ambry Genetics and Labcorp Genetics (formerly Invitae), Labcorp); PubMed 23536787 (cited by Ambry Genetics and Color Diagnostics, LLC DBA Color Health); PubMed 27495310 (cited by 5 submitters); PubMed 28781887 (cited by Ambry Genetics); PubMed 29339979 (cited by Ambry Genetics); PubMed 30209399 (cited by 3 submitters); PubMed 30765603 (cited by Ambry Genetics); PubMed 32438681 (cited by Department of Pathology and Laboratory Medicine, Sinai Health System); PubMed 29470806 (cited by 3 submitters); PubMed 17453335 (cited by 4 submitters); PubMed 34597585 (cited by Color Diagnostics, LLC DBA Color Health).